The following is an entry in ClinVar:

ClinVar aggregate classification (germline): Uncertain significance (1 of 4 stars; one submission).

Submission:

Clinical Genomics Laboratory, Laboratory for Precision Diagnostics, University of Washington
Classification: Uncertain significance. Last evaluated: 2024-04-19. Review status: criteria provided, single submitter. Criteria: ACMG/ClinGen CNV Guidelines, 2019. Collection method: clinical testing. Allele origin: unknown. Affected: yes. Observed: 1 variant allele.
Comment: This interstitial deletion is approximately 778 kb in size and affects 3 protein-coding genes. The telomeric breakpoint of the deletion lies within intron 1 of EXOC2 (NM_018303.6 OMIM 615329) so removes EXOC2 exon 1. Although it's a non-coding exon, deletion of exon 1 likely causes loss of function of this copy of EXOC2. FOXQ1 and FOXF2 are deleted in their entirety. No similar deletions appear in the Database of Genomic Variants or gnomAD. None of the genes in this region are confirmed to cause medical problems in humans when one copy is deleted (haploinsufficiency), and this is not a known haploinsufficient genomic region. However, EXOC2, FOXQ1 and FOXF2 are all predicted to be haploinsufficient by at least one model. Loss-of-function variants in both copies of EXOC2 have been found in three children from two families who have a neurodevelopmental disorder with distinctive facial features and cerebellar hypoplasia (OMIM 619306). PMID:15704124 describe six children from three families with heterozygous subtelomeric deletions of 6p. The minimally deleted critical region of 1.3 Mb was defined in their series by a pair of monozygotic twins, whose terminal deletion encompassed 8 genes, including FOXF2, FOXQ1, LINC01622, and EXOC2 as well as IRF4, DUSP22, and LINC03066. However, these twins were postnatally diagnosed clinically with 3C syndrome, which more recently has been determined to be caused by pathogenic variants in any one of 4 different genes, none of which are located on 6p. PMID:27103944 describe a person with a ring chromosome 6, which had been lost and resulted in monosomy 6 in a small percentage of both blood and skin cells. The 1.78 Mb terminal deletion of 6p in the ring included LINC03066, DUSP22, IRF4, EXOC2, HUS1B, LOC101927691, LINC01622, FOXQ1, FOXF2, MIR6720, FOXCUT, FOXC1 and GMDS. The authors believe that deletion of FOXC1, which is known to cause Axenfeld-Rieger syndrome, likely caused many of the person's clinical features, but that deletion of FOXF2, IF4 and GMDS may have contributed. PMID:23054247 describe copy number variants found in a series of people with congenital diaphragmatic hernia. One of their patients had an interstitial deletion of [GRCh38] chr6:1,245,368-2,816,932 encompassing FOXQ1 and FOXF2 as well as FOXC1, GMDS, MYLK4, and WRNIP1. In addition to the CDH, the patient also had a ventricular septal defect, Dandy-Walker malformation, cleft palate, and optic nerve hypoplasia.

Literature cited by the submitters: PubMed 15704124; PubMed 23054247; PubMed 27103944.

GRCh38/hg38 6p25.3(chr6:665448-1443178)x1

Genes: EXOC2 (exocyst complex component 2; minus strand), FOXF2 (forkhead box F2; plus strand), FOXF2-DT (FOXF2 divergent transcript; minus strand), FOXQ1 (forkhead box Q1; plus strand), LINC01622 (long independently transcribed non-coding RNA 1622; minus strand) and 17 more. Cytogenetic location: 6p25.3.
Variant type: copy number loss.
Change: copy number 1 (one copy instead of two) of chr6:665,448-1,443,178 (777.7 kb, GRCh38 coordinates, 1-based), cytogenetic band 6p25.3.
Identifiers: ClinVar variation 4974756 (VCV004974756.1).